The following is an entry in ClinVar:

NM_006662.3(SRCAP):c.8321C>G (p.Ala2774Gly)

Gene: SRCAP (Snf2 related CREBBP activator protein; plus strand). Cytogenetic location: 16p11.2.
Variant type: single nucleotide variant.
Coding change: c.8321C>G on transcript NM_006662.3 (MANE Select); coding-DNA position 8321, C replaced by G.
Protein change: p.Ala2774Gly; replaces alanine 2774 with glycine.
Molecular consequence: missense variant.
Genome position (GRCh38, 1-based): chr16:30,738,361, C>G. VCF-style: chr16-30738361-C-G. GRCh37 (hg19) VCF-style: chr16-30749682-C-G.
Other names: c.8321C>G (NM_006662.2); short protein forms A2774G.
Identifiers: ClinVar variation 2044787 (VCV002044787.3), dbSNP rs371672233, ClinGen allele CA8012662.

ClinVar aggregate classification (germline): Conflicting classifications of pathogenicity. Review status: criteria provided, conflicting classifications (1 of 4 stars). 2 submissions from 2 submitters: Uncertain significance (1); Likely benign (1). Last evaluated 2026-01-27.

Conditions:
Inborn genetic diseases. Identifiers: MedGen C0950123, MeSH D030342.

Allele frequency attached by ClinVar (database versions not stated): ExAC 0.00004; ESP Exome Variant Server 0.00008; gnomAD 0.00015; TOPMed 0.00019.
gnomAD v4.1: 49 of 1,566,472 alleles (0.0031%); highest among the groups gnomAD compares: African/African-American, 0.049%; no homozygotes.

Submissions (2):

Labcorp Genetics (formerly Invitae), Labcorp
Classification: Uncertain significance. Last evaluated: 2026-01-27. Review status: criteria provided, single submitter. Criteria: Invitae Variant Classification Sherloc (09022015). Collection method: clinical testing. Allele origin: germline.
Comment: This sequence change replaces alanine, which is neutral and non-polar, with glycine, which is neutral and non-polar, at codon 2774 of the SRCAP protein (p.Ala2774Gly). This variant is present in population databases (rs371672233, gnomAD 0.06%), and has an allele count higher than expected for a pathogenic variant. This variant has not been reported in the literature in individuals affected with SRCAP-related conditions. ClinVar contains an entry for this variant (Variation ID: 2044787). Invitae Evidence Modeling of protein sequence and biophysical properties (such as structural, functional, and spatial information, amino acid conservation, physicochemical variation, residue mobility, and thermodynamic stability) indicates that this missense variant is not expected to disrupt SRCAP protein function with a negative predictive value of 80%. In summary, the available evidence is currently insufficient to determine the role of this variant in disease. Therefore, it has been classified as a Variant of Uncertain Significance.

Ambry Genetics
Classification: Likely benign for Inborn genetic diseases. Last evaluated: 2024-11-24. Review status: criteria provided, single submitter. Criteria: Ambry Variant Classification Scheme 2023. Collection method: clinical testing. Allele origin: germline.